The following is an entry in ClinVar:

NM_032802.4(SPPL2A):c.1081A>G (p.Ile361Val)

Gene: SPPL2A (signal peptide peptidase like 2A; minus strand). Cytogenetic location: 15q21.2.
Variant type: single nucleotide variant.
Coding change: c.1081A>G on transcript NM_032802.4 (MANE Select); coding-DNA position 1081, A replaced by G.
Protein change: p.Ile361Val; replaces isoleucine 361 with valine.
Molecular consequence: missense variant.
Genome position (GRCh38, 1-based): chr15:50,730,973, T>C on the plus strand (A>G on the coding strand, the complement: SPPL2A is on the minus strand). VCF-style: chr15-50730973-T-C. GRCh37 (hg19) VCF-style: chr15-51023170-T-C.
Other names: c.1081A>G (NM_032802.3); short protein forms I361V.
Identifiers: ClinVar variation 2837384 (VCV002837384.4), dbSNP rs371976573, ClinGen allele CA270509310.
Genomic context (GRCh38, chr15:50,730,973, plus strand): 5'-GATGATCATTTTTTAGCATGTTTCTTCACCCATTTCAAAAATATGGTCATACCTTTGTGA[T>C]GAATGGTGTTATGAAAACAAAAAATACATCATAGAGGAGGAGAAGGCCTAGAAGTATCAC-3'
Protein context (NP_116191.2, residues 351-371): DVFFVFITPF[Ile361Val]TKNGESIMVE

ClinVar aggregate classification (germline): Uncertain significance. Review status: criteria provided, multiple submitters, no conflicts (2 of 4 stars). 2 submissions from 2 submitters: Uncertain significance (2). Last evaluated 2025-07-12.

Allele frequency attached by ClinVar (database versions not stated): ESP Exome Variant Server 0.00008.

Submissions (2):

Ambry Genetics
Classification: Uncertain significance. Last evaluated: 2025-07-12. Review status: criteria provided, single submitter. Criteria: Ambry Variant Classification Scheme 2023. Collection method: clinical testing. Allele origin: germline.

Labcorp Genetics (formerly Invitae), Labcorp
Classification: Uncertain significance. Last evaluated: 2023-12-09. Review status: criteria provided, single submitter. Criteria: Invitae Variant Classification Sherloc (09022015). Collection method: clinical testing. Allele origin: germline.
Comment: This sequence change replaces isoleucine, which is neutral and non-polar, with valine, which is neutral and non-polar, at codon 361 of the SPPL2A protein (p.Ile361Val). This variant is present in population databases (rs371976573, gnomAD 0.004%). This variant has not been reported in the literature in individuals affected with SPPL2A-related conditions. An algorithm developed to predict the effect of missense changes on protein structure and function (PolyPhen-2) suggests that this variant is likely to be tolerated. In summary, the available evidence is currently insufficient to determine the role of this variant in disease. Therefore, it has been classified as a Variant of Uncertain Significance.